The following is an entry in ClinVar:

ClinVar aggregate classification (germline): Uncertain significance (1 of 4 stars; one submission).

Allele frequency attached by ClinVar (database versions not stated): gnomAD 0.00001; TOPMed 0.00001; gnomAD exomes 0.00002.

Submission:

Labcorp Genetics (formerly Invitae), Labcorp
Classification: Uncertain significance. Last evaluated: 2024-10-20. Review status: criteria provided, single submitter. Criteria: Invitae Variant Classification Sherloc (09022015). Collection method: clinical testing. Allele origin: germline.
Comment: This sequence change affects a splice site in intron 3 of the KLHDC8B gene. It is expected to disrupt RNA splicing. Variants that disrupt the donor or acceptor splice site typically lead to a loss of protein function (PMID: 16199547), however the current clinical and genetic evidence is not sufficient to establish whether loss-of-function variants in KLHDC8B cause disease. This variant is present in population databases (no rsID available, gnomAD 0.005%). This variant has not been reported in the literature in individuals affected with KLHDC8B-related conditions. Algorithms developed to predict the effect of sequence changes on RNA splicing suggest that this variant may disrupt the consensus splice site. In summary, the available evidence is currently insufficient to determine the role of this variant in disease. Therefore, it has been classified as a Variant of Uncertain Significance.

Literature cited by the submitters: PubMed 16199547.

NM_173546.3(KLHDC8B):c.542-2_542-1del

Gene: KLHDC8B (kelch domain containing 8B; plus strand). Cytogenetic location: 3p21.31.
Variant type: Deletion.
Coding change: c.542-2_542-1del on transcript NM_173546.3 (MANE Select); the canonical splice acceptor site of the intron before coding-DNA position 542, 2 bases deleted (AG; older notation c.542-2_542-1delAG).
Molecular consequence: splice acceptor variant.
Genome position (GRCh38, 1-based): chr3:49,174,740-49,174,741, AG deleted. VCF-style (leftmost placement, unchanged base first): chr3-49174739-CAG-C. GRCh37 (hg19) VCF-style: chr3-49212172-CAG-C.
Identifiers: ClinVar variation 2985094 (VCV002985094.3), dbSNP rs1352026284, ClinGen allele CA543048979.
Genomic context (GRCh38, chr3:49,174,739, plus strand): 5'-AGTGAGCAAGGAGCCCACCAAGCCTCCTGGGCTCCTTCCCAGGTACCCCAATTCCATTGA[CAG>C]GGGGCCGCCAGGGCAAGCTCCCGGTGACTGCTTTTGAAGCCTTTGATCTGGAGGCCCGTA-3'